The following is an entry in ClinVar:

NC_000012.11:g.(?_990838)_(1017958_?)dup

Gene: WNK1 (WNK lysine deficient protein kinase 1; plus strand). Cytogenetic location: 12p13.33.
Variant type: Duplication.
Identifiers: ClinVar variation 1434835 (VCV001434835.4).

ClinVar aggregate classification (germline): Uncertain significance (1 of 4 stars; one submission).

Conditions:
Neuropathy, hereditary sensory and autonomic, type 2A (HSAN2A). Also called: ACROOSTEOLYSIS, GIACCAI TYPE; ACROOSTEOLYSIS, NEUROGENIC; MORVAN DISEASE; NEUROPATHY, CONGENITAL SENSORY; NEUROPATHY, HEREDITARY SENSORY RADICULAR, AUTOSOMAL RECESSIVE; NEUROPATHY, HEREDITARY SENSORY, TYPE IIA. Identifiers: Orphanet 970, MedGen C2752089, MONDO:0024309, OMIM 201300.
Pseudohypoaldosteronism type 2C (PHA2C). Also called: Pseudohypoaldosteronism Type IIC. Identifiers: Orphanet 757, Orphanet 88940, MedGen C1840391, MONDO:0013778, OMIM 614492.

Submission:

Labcorp Genetics (formerly Invitae), Labcorp
Classification: Uncertain significance for Neuropathy, hereditary sensory and autonomic, type 2A; Pseudohypoaldosteronism type 2C. Last evaluated: 2021-07-28. Review status: criteria provided, single submitter. Criteria: Invitae Variant Classification Sherloc (09022015). Collection method: clinical testing. Allele origin: germline.
Comment: In summary, the available evidence is currently insufficient to determine the role of this variant in disease. Therefore, it has been classified as a Variant of Uncertain Significance. This variant has not been reported in the literature in individuals affected with WNK1-related conditions. This variant results in a copy number gain of the genomic region encompassing exon(s) 13-28 of the WNK1 gene. The 5' boundary is likely confined to intron 12. The 3' end of this event is unknown as it extends beyond the assayed region for this gene and therefore may encompass additional genes. As the precise location of this event is unknown, it may be in tandem or it may be located elsewhere in the genome.